The following is an entry in ClinVar:

NM_002875.5(RAD51):c.961C>G (p.Pro321Ala)

Gene: RAD51 (RAD51 recombinase; plus strand). Cytogenetic location: 15q15.1.
Variant type: single nucleotide variant.
Coding change: c.961C>G on transcript NM_002875.5 (MANE Select); coding-DNA position 961, C replaced by G.
Protein change: p.Pro321Ala; replaces proline 321 with alanine.
Molecular consequence: missense variant.
Genome position (GRCh38, 1-based): chr15:40,731,119, C>G. VCF-style: chr15-40731119-C-G. GRCh37 (hg19) VCF-style: chr15-41023317-C-G.
Other names: c.964C>G, p.Pro322Ala (NM_001164269.2, NM_133487.4); c.839C>G, p.Ser280Cys (NM_001164270.2); short protein forms P321A, S280C, P322A.
Identifiers: ClinVar variation 2585947 (VCV002585947.2), dbSNP rs2504537837, ClinGen allele CA391760969.

ClinVar aggregate classification (germline): Uncertain significance (1 of 4 stars; one submission).

Conditions:
Inborn genetic diseases. Identifiers: MedGen C0950123, MeSH D030342.

Submission:

Ambry Genetics
Classification: Uncertain significance for Inborn genetic diseases. Last evaluated: 2023-07-09. Review status: criteria provided, single submitter. Criteria: Ambry Variant Classification Scheme 2023. Collection method: clinical testing. Allele origin: germline.
Comment: The p.P321A variant (also known as c.961C>G), located in coding exon 9 of the RAD51 gene, results from a C to G substitution at nucleotide position 961. The proline at codon 321 is replaced by alanine, an amino acid with highly similar properties. This amino acid position is conserved. In addition, the in silico prediction for this alteration is inconclusive. Since supporting evidence is limited at this time, the clinical significance of this alteration remains unclear.